The following is an entry in ClinVar:

ClinVar aggregate classification (germline): Pathogenic (1 of 4 stars; one submission).

Conditions:
Developmental and epileptic encephalopathy, 9 (DEE9). Also called: EPILEPSY, FEMALE-RESTRICTED, WITH MENTAL RETARDATION; Early infantile epileptic encephalopathy 9; JUBERG-HELLMAN SYNDROME; PCDH19-Related X-Linked Female-Limited Epilepsy with Mental Retardation. Identifiers: Orphanet 101039, Orphanet 2076, MedGen C1848137, MONDO:0010246, OMIM 300088. Disease mechanism: loss of function.

Submission:

Labcorp Genetics (formerly Invitae), Labcorp
Classification: Pathogenic for Developmental and epileptic encephalopathy, 9. Last evaluated: 2023-04-25. Review status: criteria provided, single submitter. Criteria: Invitae Variant Classification Sherloc (09022015). Collection method: clinical testing. Allele origin: germline.
Comment: This variant has not been reported in the literature in individuals affected with PCDH19-related conditions. For these reasons, this variant has been classified as Pathogenic. This variant is not present in population databases (gnomAD no frequency). This sequence change creates a premature translational stop signal (p.Met500Ilefs*69) in the PCDH19 gene. It is expected to result in an absent or disrupted protein product. Loss-of-function variants in PCDH19 are known to be pathogenic (PMID: 21053371).

Literature cited by the submitters: PubMed 21053371.

NM_001184880.2(PCDH19):c.1500del (p.Met500fs)

Gene: PCDH19 (protocadherin 19; minus strand). Cytogenetic location: Xq22.1.
Variant type: Deletion.
Coding change: c.1500del on transcript NM_001184880.2 (MANE Select); coding-DNA position 1500, one base deleted (G; older notation c.1500delG).
Protein change: p.Met500fs; shifts the reading frame from methionine 500.
Molecular consequence: frameshift variant.
Genome position (GRCh38, 1-based): chrX:100,407,098, C deleted on the plus strand (G on the coding strand, the reverse complement: PCDH19 is on the minus strand). VCF-style (leftmost placement, unchanged base first): chrX-100407097-GC-G. GRCh37 (hg19) VCF-style: chrX-99662095-GC-G.
Other names: c.1500del, p.Met500fs (NM_001105243.2, NM_020766.3); short protein forms M500fs.
Identifiers: ClinVar variation 2855379 (VCV002855379.3), dbSNP rs2520981613, ClinGen allele CA2739273664.